The following is an entry in ClinVar:

NM_005732.4(RAD50):c.2851G>C (p.Val951Leu)

Gene: RAD50 (RAD50 double strand break repair protein; plus strand). Cytogenetic location: 5q31.1.
Variant type: single nucleotide variant.
Coding change: c.2851G>C on transcript NM_005732.4 (MANE Select); coding-DNA position 2851, G replaced by C.
Protein change: p.Val951Leu; replaces valine 951 with leucine.
Molecular consequence: missense variant.
Genome position (GRCh38, 1-based): chr5:132,609,138, G>C. VCF-style: chr5-132609138-G-C. GRCh37 (hg19) VCF-style: chr5-131944830-G-C.
Other names: short protein forms V951L.
Identifiers: ClinVar variation 577453 (VCV000577453.12), dbSNP rs1257399328, ClinGen allele CA360959488.

ClinVar aggregate classification (germline): Uncertain significance. Review status: criteria provided, multiple submitters, no conflicts (2 of 4 stars). 2 submissions from 2 submitters: Uncertain significance (2). Last evaluated 2024-10-23.

Conditions:
Hereditary cancer-predisposing syndrome. Also called: Tumor predisposition; Hereditary neoplastic syndrome; Hereditary Cancer Syndrome; Neoplastic Syndromes, Hereditary. Identifiers: Orphanet 140162, MedGen C0027672, MeSH D009386, MONDO:0015356.

Allele frequency attached by ClinVar (database versions not stated): TOPMed below 0.00001; gnomAD 0.00001.
gnomAD v4.1: 2 of 1,611,498 alleles (0.00012%); highest among the groups gnomAD compares: Non-Finnish European, 0.00017%; no homozygotes.

Submissions (2):

Ambry Genetics
Classification: Uncertain significance for Hereditary cancer-predisposing syndrome. Last evaluated: 2024-10-23. Review status: criteria provided, single submitter. Criteria: Ambry Variant Classification Scheme 2023. Collection method: clinical testing. Allele origin: germline.
Comment: The p.V951L variant (also known as c.2851G>C), located in coding exon 18 of the RAD50 gene, results from a G to C substitution at nucleotide position 2851. The valine at codon 951 is replaced by leucine, an amino acid with highly similar properties. This amino acid position is not well conserved in available vertebrate species. In addition, this alteration is predicted to be tolerated by in silico analysis. Since supporting evidence is limited at this time, the clinical significance of this alteration remains unclear.

Labcorp Genetics (formerly Invitae), Labcorp
Classification: Uncertain significance for Hereditary cancer-predisposing syndrome. Last evaluated: 2023-10-17. Review status: criteria provided, single submitter. Criteria: Invitae Variant Classification Sherloc (09022015). Collection method: clinical testing. Allele origin: germline.
Comment: This sequence change replaces valine, which is neutral and non-polar, with leucine, which is neutral and non-polar, at codon 951 of the RAD50 protein (p.Val951Leu). This variant is not present in population databases (gnomAD no frequency). This variant has not been reported in the literature in individuals affected with RAD50-related conditions. ClinVar contains an entry for this variant (Variation ID: 577453). Advanced modeling of protein sequence and biophysical properties (such as structural, functional, and spatial information, amino acid conservation, physicochemical variation, residue mobility, and thermodynamic stability) performed at Invitae indicates that this missense variant is not expected to disrupt RAD50 protein function. In summary, the available evidence is currently insufficient to determine the role of this variant in disease. Therefore, it has been classified as a Variant of Uncertain Significance.